The following is an entry in ClinVar:

ClinVar aggregate classification (germline): Pathogenic (1 of 4 stars; one submission).

Conditions:
Sucrase-isomaltase deficiency (CSID). Also called: Deficiency of isomaltase; SI DEFICIENCY; Congenital sucrose isomaltose malabsorption; Sucrose isomaltose enzyme deficiency. Identifiers: Orphanet 35122, MedGen C1283620, MONDO:0009114, OMIM 222900.

Submission:

Fulgent Genetics
Classification: Pathogenic for Sucrase-isomaltase deficiency. Last evaluated: 2021-06-30. Review status: criteria provided, single submitter. Criteria: ACMG Guidelines, 2015. Collection method: clinical testing. Allele origin: unknown.
Comment: This variant has been detected in individual(s) who were sent for testing of Renasight - kidney gene panel.

NM_001041.4(SI):c.2025dup (p.Gly676fs)

Gene: SI (sucrase-isomaltase; minus strand). Cytogenetic location: 3q26.1.
Variant type: Duplication.
Coding change: c.2025dup on transcript NM_001041.4 (MANE Select); coding-DNA position 2025, one base duplicated (T; older notation c.2025dupT).
Protein change: p.Gly676fs; shifts the reading frame from glycine 676.
Molecular consequence: frameshift variant.
Genome position (GRCh38, 1-based): chr3:165,041,074, A duplicated on the plus strand (T on the coding strand, the reverse complement: SI is on the minus strand); the first of 6 consecutive A bases (chr3:165,041,074-165,041,079); duplicating any one gives the same sequence. VCF-style (leftmost placement, unchanged base first): chr3-165041073-C-CA. GRCh37 (hg19) VCF-style: chr3-164758861-C-CA.
Other names: short protein forms G676fs.
Identifiers: ClinVar variation 1179095 (VCV001179095.2), dbSNP rs2108219188, ClinGen allele CA645532314.